The following is an entry in ClinVar:

ClinVar aggregate classification (germline): Uncertain significance (1 of 4 stars; one submission).

Allele frequency attached by ClinVar (database versions not stated): gnomAD exomes below 0.00001.
gnomAD v4.1: 5 of 1,613,272 alleles (0.00031%); highest among the groups gnomAD compares: Non-Finnish European, 0.00042%; no homozygotes.

Submission:

Laboratory for Molecular Medicine, Mass General Brigham Personalized Medicine
Classification: Uncertain significance. Last evaluated: 2016-09-02. Review status: criteria provided, single submitter. Criteria: LMM Criteria. Collection method: clinical testing. Allele origin: germline. Observed: 1 variant allele.
Comment: The p.Val23880Gly variant in TTN has not been previously reported in individuals with cardiomyopathy and was absent from large population studies. Computational prediction tools and conservation analysis suggest that the p.Val23880Gly vari ant may impact the protein, though this information is not predictive enough to rule out pathogenicity. In summary, the clinical significance of the p.Val23880 Gly variant is uncertain.

NM_001267550.2(TTN):c.79343T>G (p.Val26448Gly)

Genes: TTN (titin; minus strand), TTN-AS1 (TTN antisense RNA 1; plus strand). Cytogenetic location: 2q31.2.
Variant type: single nucleotide variant.
Coding change: c.79343T>G on transcript NM_001267550.2 (MANE Select); coding-DNA position 79343, T replaced by G.
Protein change: p.Val26448Gly; replaces valine 26448 with glycine.
Molecular consequence: missense variant.
Genome position (GRCh38, 1-based): chr2:178,566,789, A>C on the plus strand (T>G on the coding strand, the complement: TTN is on the minus strand). VCF-style: chr2-178566789-A-C. GRCh37 (hg19) VCF-style: chr2-179431516-A-C.
Other names: c.71639T>G, p.Val23880Gly (NM_133378.4); c.74420T>G, p.Val24807Gly (NM_001256850.1); c.52148T>G, p.Val17383Gly (NM_003319.4); c.52523T>G, p.Val17508Gly (NM_133432.3); c.52724T>G, p.Val17575Gly (NM_133437.4); short protein forms V23880G, V26448G, V17508G, V24807G, V17383G, V17575G.
Identifiers: ClinVar variation 505315 (VCV000505315.5), dbSNP rs1553590427, ClinGen allele CA349597515.